The following is an entry in ClinVar:

ClinVar aggregate classification (germline): Uncertain significance (0 of 4 stars; one submission).

Allele frequency attached by ClinVar (database versions not stated): gnomAD exomes below 0.00001; TOPMed below 0.00001; gnomAD 0.00001.
gnomAD v4.1: 2 of 1,613,966 alleles (0.00012%); highest among the groups gnomAD compares: East Asian, 0.0045%; no homozygotes.

Submission:

Department of Pathology and Laboratory Medicine, Sinai Health System
Classification: Uncertain significance. Review status: no assertion criteria provided. Collection method: clinical testing. Allele origin: unknown. Affected: yes. Study: The Canadian Open Genetics Repository (COGR).
Comment: The MYH8 p.Leu1515Ile variant was not identified in the literature nor was it identified in ClinVar, Cosmic, or LOVD 3.0. The variant was identified in dbSNP (ID: rs34564342) and in control databases in 2 of 282638 chromosomes at a frequency of 0.000007 (Genome Aggregation Database Feb 27, 2017). The variant was observed in the East Asian population in 2 of 19944 chromosomes (freq: 0.0001), but was not observed in the African, Latino, Ashkenazi Jewish, European (Finnish), European (non-Finnish), Other, and South Asian populations. The p.Leu1515 residue is conserved in mammals and computational analyses (PolyPhen-2, SIFT, AlignGVGD, BLOSUM, MutationTaster) provide inconsistent predictions regarding the impact to the protein; this information is not very predictive of pathogenicity. The variant occurs outside of the splicing consensus sequence and only two of four in silico or computational prediction software programs (SpliceSiteFinder, MaxEntScan, NNSPLICE, GeneSplicer) predict a greater than 10% difference in splicing. In summary, based on the above information the clinical significance of this variant cannot be determined with certainty at this time. This variant is classified as a variant of uncertain significance.

NM_002472.3(MYH8):c.4543C>A (p.Leu1515Ile)

Genes: MYH8 (myosin heavy chain 8; minus strand), MYHAS (myosin heavy chain gene cluster antisense RNA; plus strand). Cytogenetic location: 17p13.1.
Variant type: single nucleotide variant.
Coding change: c.4543C>A on transcript NM_002472.3 (MANE Select); coding-DNA position 4543, C replaced by A.
Protein change: p.Leu1515Ile; replaces leucine 1515 with isoleucine.
Molecular consequence: missense variant.
Genome position (GRCh38, 1-based): chr17:10,396,440, G>T on the plus strand (C>A on the coding strand, the complement: MYH8 is on the minus strand). VCF-style: chr17-10396440-G-T. GRCh37 (hg19) VCF-style: chr17-10299757-G-T.
Other names: short protein forms L1515I.
Identifiers: ClinVar variation 1049085 (VCV001049085.1), dbSNP rs34564342, ClinGen allele CA287721563.
Genomic context (GRCh38, chr17:10,396,440, plus strand): 5'-GCTTCTTTATTTTCTCCAATTCATGAATTTGCTTTCCTCCCTCTGCAATCTGCTCAGTGA[G>T]GTCAGAAATCTCCTCTGTGGTTGAACAGACAGGAGAGAAATGGTCAGAAAGATGGCAACA-3'
Protein context (NP_002463.2, residues 1505-1525): NKNLQQEISD[Leu1515Ile]TEQIAEGGKQ